The following is an entry in ClinVar:

NM_001042492.3(NF1):c.4375G>C (p.Glu1459Gln)

Gene: NF1 (neurofibromin 1; plus strand). Cytogenetic location: 17q11.2.
Variant type: single nucleotide variant.
Coding change: c.4375G>C on transcript NM_001042492.3 (MANE Select); coding-DNA position 4375, G replaced by C.
Protein change: p.Glu1459Gln; replaces glutamic acid 1459 with glutamine.
Molecular consequence: missense variant.
Genome position (GRCh38, 1-based): chr17:31,259,074, G>C. VCF-style: chr17-31259074-G-C. GRCh37 (hg19) VCF-style: chr17-29586092-G-C.
Other names: c.4312G>C, p.Glu1438Gln (NM_000267.4); short protein forms E1459Q, E1438Q.
Identifiers: ClinVar variation 1410401 (VCV001410401.6), dbSNP rs1597745663, ClinGen allele CA398998824.

ClinVar aggregate classification (germline): Uncertain significance (1 of 4 stars; one submission).

Conditions:
Neurofibromatosis, type 1 (NF1). Also called: Peripheral type neurofibromatosis; Neurofibromatosis, type I; VON RECKLINGHAUSEN DISEASE; NEUROFIBROMATOSIS, TYPE I, SOMATIC. Identifiers: Orphanet 636, MedGen C0027831, MONDO:0018975, OMIM 162200. Disease mechanism: loss of function.

Submission:

Labcorp Genetics (formerly Invitae), Labcorp
Classification: Uncertain significance for Neurofibromatosis, type 1. Last evaluated: 2026-01-28. Review status: criteria provided, single submitter. Criteria: Invitae Variant Classification Sherloc (09022015). Collection method: clinical testing. Allele origin: germline.
Comment: This sequence change replaces glutamic acid, which is acidic and polar, with glutamine, which is neutral and polar, at codon 1438 of the NF1 protein (p.Glu1438Gln). This variant is not present in population databases (gnomAD no frequency). This variant has not been reported in the literature in individuals affected with NF1-related conditions. ClinVar contains an entry for this variant (Variation ID: 1410401). Invitae Evidence Modeling of protein sequence and biophysical properties (such as structural, functional, and spatial information, amino acid conservation, physicochemical variation, residue mobility, and thermodynamic stability) has been performed for this missense variant. However, the output from this modeling did not meet the statistical confidence thresholds required to predict the impact of this variant on NF1 protein function. In summary, the available evidence is currently insufficient to determine the role of this variant in disease. Therefore, it has been classified as a Variant of Uncertain Significance.